The following is an entry in ClinVar:

NM_001370959.1(POU6F2):c.891G>A (p.Gln297=)

Gene: POU6F2 (POU class 6 homeobox 2; plus strand). Cytogenetic location: 7p14.1.
Variant type: single nucleotide variant.
Coding change: c.891G>A on transcript NM_001370959.1 (MANE Select); coding-DNA position 891, G replaced by A.
Protein change: p.Gln297=; no amino-acid change (glutamine 297 retained).
Molecular consequence: synonymous variant.
Genome position (GRCh38, 1-based): chr7:39,339,934, G>A. VCF-style: chr7-39339934-G-A. GRCh37 (hg19) VCF-style: chr7-39379533-G-A.
Other names: c.804G>A, p.Gln268= (NM_001166018.2, NM_007252.4).
Identifiers: ClinVar variation 3040401 (VCV003040401.3), dbSNP rs200308619, ClinGen allele CA4227647.

ClinVar aggregate classification (germline): Likely benign. Review status: criteria provided, single submitter (1 of 4 stars). 2 submissions from 2 submitters: Likely benign (1). 1 of the submissions does not count toward it. Last evaluated 2024-10-09.

Conditions:
POU6F2-related disorder. Also called: POU6F2-related condition.

Allele frequency attached by ClinVar (database versions not stated): gnomAD 0.00001; gnomAD exomes 0.00001; ExAC 0.00003; TOPMed 0.00003; 1000 Genomes Project 0.00020; 1000 Genomes Project 30x 0.00031.
gnomAD v4.1: 22 of 1,613,890 alleles (0.0014%); highest among the groups gnomAD compares: East Asian, 0.018%; 1 homozygote.

Submissions (2):

Blueprint Genetics
Classification: Likely benign. Last evaluated: 2024-10-09. Review status: criteria provided, single submitter. Criteria: ACMG Guidelines, 2015. Collection method: clinical testing. Allele origin: germline.

PreventionGenetics, part of Exact Sciences
Classification: Likely benign for POU6F2-related condition. Last evaluated: 2020-10-28. Review status: no assertion criteria provided. Collection method: clinical testing. Allele origin: germline. Not counted in ClinVar's aggregate classification.
Comment: This variant is classified as likely benign based on ACMG/AMP sequence variant interpretation guidelines (Richards et al. 2015 PMID: 25741868, with internal and published modifications).